The following is an entry in ClinVar:

ClinVar aggregate classification (germline): Benign. Review status: criteria provided, multiple submitters, no conflicts (2 of 4 stars). 2 submissions from 2 submitters: Benign (2). Last evaluated 2018-01-12.

Conditions:
Surfactant metabolism dysfunction, pulmonary, 1. Also called: INTERSTITIAL LUNG DISEASE DUE TO SURFACTANT PROTEIN B DEFICIENCY; INTERSTITIAL LUNG DISEASE, NONSPECIFIC, DUE TO SURFACTANT PROTEIN B DEFICIENCY; PULMONARY ALVEOLAR PROTEINOSIS, CONGENITAL, 1; Pulmonary surfactant protein B, deficiency of; Neonatal acute respiratory distress due to SP-B deficiency. Identifiers: Orphanet 217563, MedGen C1968602, MONDO:0009929, OMIM 265120.

Allele frequency attached by ClinVar (database versions not stated): gnomAD 0.00850 and 0.00906; TOPMed 0.00958; 1000 Genomes Project 0.01018; 1000 Genomes Project 30x 0.01077.

Submissions (2):

Illumina Laboratory Services, Illumina
Classification: Benign for Surfactant metabolism dysfunction, pulmonary, 1. Last evaluated: 2018-01-12. Review status: criteria provided, single submitter. Criteria: ICSL Variant Classification Criteria 13 December 2019. Collection method: clinical testing. Allele origin: germline.
Comment: This variant was observed in the ICSL laboratory as part of a predisposition screen in an ostensibly healthy population. It had not been previously curated by ICSL or reported in the Human Gene Mutation Database (HGMD: prior to June 1st, 2018), and was therefore a candidate for classification through an automated scoring system. Utilizing variant allele frequency, disease prevalence and penetrance estimates, and inheritance mode, an automated score was calculated to assess if this variant is too frequent to cause the disease. Based on the score and internal cut-off values, a variant classified as benign is not then subjected to further curation. The score for this variant resulted in a classification of benign for this disease.

Breakthrough Genomics
Classification: Benign. Review status: criteria provided, single submitter. Criteria: ACMG Guidelines, 2015. Collection method: not provided. Allele origin: germline. Inheritance: Autosomal recessive inheritance. Affected: yes.

NM_000542.5(SFTPB):c.*1189A>C

Gene: SFTPB (surfactant protein B; minus strand). Cytogenetic location: 2p11.2.
Variant type: single nucleotide variant.
Coding change: c.*1189A>C on transcript NM_000542.5 (MANE Select); 1189 bases downstream of the stop codon, A replaced by C.
Molecular consequence: 3 prime UTR variant.
Genome position (GRCh38, 1-based): chr2:85,658,513, T>G on the plus strand (A>C on the coding strand, the complement: SFTPB is on the minus strand). VCF-style: chr2-85658513-T-G. GRCh37 (hg19) VCF-style: chr2-85885636-T-G.
Other names: c.*268A>C (NM_001367281.2); c.*362A>C (NM_198843.4).
Identifiers: ClinVar variation 337297 (VCV000337297.6), dbSNP rs114238614, ClinGen allele CA10616187.
Genomic context (GRCh38, chr2:85,658,513, plus strand): 5'-CCTGGGCCCGCTGACTTCAGGGTGAGGCCACAGCTACTGCAGCGCTTTTTATTTATTTAT[T>G]TATTTACTGAGATGGAGTCTTGCTCTGTCACCCAGGCTGGAGTGCAGTGGTGCAATCTCG-3'